The following is an entry in ClinVar:

ClinVar aggregate classification (germline): Likely pathogenic. Review status: criteria provided, multiple submitters, no conflicts (2 of 4 stars). 4 submissions from 4 submitters: Likely pathogenic (4). Last evaluated 2025-12-17.

Conditions:
Hereditary cancer-predisposing syndrome. Also called: Hereditary neoplastic syndrome; Tumor predisposition; Hereditary Cancer Syndrome; Neoplastic Syndromes, Hereditary. Identifiers: Orphanet 140162, MedGen C0027672, MeSH D009386, MONDO:0015356.
Familial cancer of breast. Also called: Hereditary breast cancer; hereditary breast carcinoma; BREAST CANCER, FAMILIAL. Identifiers: Orphanet 227535, MedGen C0346153, MONDO:0016419, OMIM 114480. Disease mechanism: loss of function.

Submissions (4):

Labcorp Genetics (formerly Invitae), Labcorp
Classification: Likely pathogenic for Familial cancer of breast. Last evaluated: 2025-12-17. Review status: criteria provided, single submitter. Criteria: Invitae Variant Classification Sherloc (09022015). Collection method: clinical testing. Allele origin: germline.
Comment: This sequence change affects a donor splice site in intron 10 of the CHEK2 gene. It is expected to disrupt RNA splicing. Variants that disrupt the donor or acceptor splice site typically lead to a loss of protein function (PMID: 16199547), and loss-of-function variants in CHEK2 are known to be pathogenic (PMID: 21876083, 24713400). This variant is not present in population databases (gnomAD no frequency). Disruption of this splice site has been observed in individual(s) with prostate cancer or breast cancer (PMID: 15095295, 29368341, 31948886). ClinVar contains an entry for this variant (Variation ID: 491589). Algorithms developed to predict the effect of sequence changes on RNA splicing suggest that this variant may disrupt the consensus splice site. In summary, the currently available evidence indicates that the variant is pathogenic, but additional data are needed to prove that conclusively. Therefore, this variant has been classified as Likely Pathogenic.

Ambry Genetics
Classification: Likely pathogenic for Hereditary cancer-predisposing syndrome. Last evaluated: 2024-10-28. Review status: criteria provided, single submitter. Criteria: Ambry Variant Classification Scheme 2023. Collection method: clinical testing. Allele origin: germline.
Comment: The c.1095+1G>T intronic variant results from a G to T substitution one nucleotide after coding exon 9 of the CHEK2 gene. Alterations that disrupt the canonical splice site are expected to result in aberrant splicing. In silico splice site analysis predicts that this alteration will weaken the native splice donor site. The resulting transcript is predicted to be in-frame and is not expected to trigger nonsense-mediated mRNAdecay; however, direct evidence is unavailable. The exact functional effect of the altered amino acid sequence is unknown; however, a significant portion of the protein is affected and the impacted region is critical for protein function (Ambry internal data). This alteration was seen in 1/150 unselected patients with recurrent or metastatic prostate cancer (Isaacsson Velho P et al. Prostate, 2018 Apr;78:401-407). This variant is considered to be rare based on population cohorts in the Genome Aggregation Database (gnomAD). This nucleotide position is highly conserved in available vertebrate species. Based on the majority of available evidence to date, this variant is likely to be pathogenic.

Myriad Genetics, Inc.
Classification: Likely pathogenic for Familial cancer of breast. Last evaluated: 2023-06-27. Review status: criteria provided, single submitter. Criteria: Myriad Autosomal Dominant, Autosomal Recessive and X-Linked Classification Criteria (2023). Collection method: clinical testing. Allele origin: unknown.
Comment: This variant is considered likely pathogenic. This variant occurs within a consensus splice junction and is predicted to result in abnormal mRNA splicing of either an out-of-frame exon or an in-frame exon necessary for protein stability and/or normal function.

Color Diagnostics, LLC DBA Color Health
Classification: Likely pathogenic for Hereditary cancer-predisposing syndrome. Last evaluated: 2020-09-23. Review status: criteria provided, single submitter. Criteria: ACMG Guidelines, 2015. Collection method: clinical testing. Allele origin: germline.
Comment: This variant causes a G to T nucleotide substitution at the +1 position of intron 10 of the CHEK2 gene. Splice site prediction tools predict that this variant may have a significant impact on RNA splicing. To our knowledge, functional studies have not been reported for this variant. This variant has been reported in an individual affected with prostate cancer (PMID: 29368341), and a different variant at this position c.1095+1G>A also has been observed in a hereditary breast and ovarian cancer family (PMID: 15095295). This variant has not been identified in the general population by the Genome Aggregation Database (gnomAD). Loss of CHEK2 function is a known mechanism of disease. Based on the available evidence, this variant is classified as Likely Pathogenic.

Literature cited by the submitters: PubMed 16199547 (cited by Labcorp Genetics (formerly Invitae), Labcorp); PubMed 21876083 (cited by Labcorp Genetics (formerly Invitae), Labcorp); PubMed 24713400 (cited by Labcorp Genetics (formerly Invitae), Labcorp); PubMed 15095295 (cited by Labcorp Genetics (formerly Invitae), Labcorp); PubMed 29368341 (cited by Labcorp Genetics (formerly Invitae), Labcorp and Ambry Genetics); PubMed 31948886 (cited by Labcorp Genetics (formerly Invitae), Labcorp).

NM_007194.4(CHEK2):c.1095+1G>T

Gene: CHEK2 (checkpoint kinase 2; minus strand). Cytogenetic location: 22q12.1.
Variant type: single nucleotide variant.
Coding change: c.1095+1G>T on transcript NM_007194.4 (MANE Select); the canonical splice donor site of the intron after coding-DNA position 1095, G replaced by T.
Molecular consequence: splice donor variant. On other transcripts: intron variant (3).
Genome position (GRCh38, 1-based): chr22:28,696,900, C>A on the plus strand (G>T on the coding strand, the complement: CHEK2 is on the minus strand). VCF-style: chr22-28696900-C-A. GRCh37 (hg19) VCF-style: chr22-29092888-C-A.
Other names: c.432+1G>T (NM_001437942.1, NM_001257387.3); c.894+1G>T (NM_001349956.3); c.1009-1027G>T (NM_145862.3); c.1102-1027G>T (NM_001438295.1); c.1188+1G>T (NM_001438293.1); c.1138-1027G>T (NM_001438294.1); c.1224+1G>T (NM_001005735.3).
Identifiers: ClinVar variation 491589 (VCV000491589.12), dbSNP rs768172525, ClinGen allele CA411097406.
Genomic context (GRCh38, chr22:28,696,900, plus strand): 5'-ATTAAAAGTTTCTGAACAAGAATCTACAGGAATAGCCACATACAGAATGCCAATTTCTTA[C>A]CTTTATAAGACAGTCCTCTTCTTGAGATGACAGTAAAACATTCTCTGGCTTTAAGTCACG-3'